The following is an entry in ClinVar:

ClinVar aggregate classification (germline): Likely benign. Review status: criteria provided, single submitter (1 of 4 stars). 2 submissions from 2 submitters: Likely benign (1). 1 of the submissions does not count toward it. Last evaluated 2023-03-01.

Conditions:
NEK9-related disorder. Also called: NEK9-related condition.

Allele frequency attached by ClinVar (database versions not stated): ExAC 0.00010; ESP Exome Variant Server 0.00015; 1000 Genomes Project 0.00040; 1000 Genomes Project 30x 0.00047.
gnomAD v4.1: 113 of 1,612,724 alleles (0.007%); highest among the groups gnomAD compares: Middle Eastern, 0.083%; 1 homozygote.

Submissions (2):

CeGaT Center for Human Genetics Tuebingen
Classification: Likely benign. Last evaluated: 2023-03-01. Review status: criteria provided, single submitter. Criteria: CeGaT Center For Human Genetics Tuebingen Variant Classification Criteria Version 2. Collection method: clinical testing. Allele origin: germline. Affected: yes. Observed: 1 variant allele.
Comment: NEK9: BP4, BP7

PreventionGenetics, part of Exact Sciences
Classification: Likely benign for NEK9-related condition. Last evaluated: 2023-10-03. Review status: no assertion criteria provided. Collection method: clinical testing. Allele origin: germline. Not counted in ClinVar's aggregate classification.
Comment: This variant is classified as likely benign based on ACMG/AMP sequence variant interpretation guidelines (Richards et al. 2015 PMID: 25741868, with internal and published modifications).

NM_033116.6(NEK9):c.861G>A (p.Ser287=)

Gene: NEK9 (NIMA related kinase 9; minus strand). Cytogenetic location: 14q24.3.
Variant type: single nucleotide variant.
Coding change: c.861G>A on transcript NM_033116.6 (MANE Select); coding-DNA position 861, G replaced by A.
Protein change: p.Ser287=; no amino-acid change (serine 287 retained).
Molecular consequence: synonymous variant.
Genome position (GRCh38, 1-based): chr14:75,114,215, C>T on the plus strand (G>A on the coding strand, the complement: NEK9 is on the minus strand). VCF-style: chr14-75114215-C-T. GRCh37 (hg19) VCF-style: chr14-75580918-C-T.
Other names: c.861G>A (NM_033116.5); c.861G>A, p.Ser287= (NM_001329237.2); c.507G>A, p.Ser169= (NM_001329238.2).
Identifiers: ClinVar variation 2644374 (VCV002644374.25), dbSNP rs143703209, ClinGen allele CA7277136.
Genomic context (GRCh38, chr14:75,114,215, plus strand): 5'-CTGGAAGGGGAAATACGAAACTGAAGTGAATGTTTAAGTCACACCTACCTGGTCAAGGCA[C>T]GAATGAACCATTTGGATCAATTCCAAAGAGTACTGGCTAGAGTCAACTTCCATGGCCCGA-3'
Protein context (NP_149107.4, residues 277-297): YSLELIQMVH[Ser287=]CLDQDPEQRP